The following is an entry in ClinVar:

ClinVar aggregate classification (germline): Likely pathogenic (1 of 4 stars; one submission).

Conditions:
Wiskott-Aldrich syndrome (WAS). Also called: Wiskott-aldrich syndrome, somatic; ALDRICH SYNDROME; IMMUNODEFICIENCY 2; WISKOTT-ALDRICH SYNDROME 1. Identifiers: Orphanet 906, MedGen C0043194, MONDO:0010518, OMIM 301000.

Submission:

Women's Health and Genetics/Laboratory Corporation of America, LabCorp
Classification: Likely pathogenic for Wiskott-Aldrich syndrome. Last evaluated: 2019-11-26. Review status: criteria provided, single submitter. Criteria: LabCorp Variant Classification Summary - May 2015. Collection method: clinical testing. Allele origin: germline.
Comment: Variant summary: WAS c.509_510delGA (p.Arg170LysfsX36) results in a premature termination codon, predicted to cause a truncation of the encoded protein or absence of the protein due to nonsense mediated decay, which are commonly known mechanisms for disease. Truncations downstream of this position have been classified as pathogenic by our laboratory. The variant was absent in 183313 control chromosomes (gnomAD). To our knowledge, no occurrence of c.509_510delGA in individuals affected with Wiskott-Aldrich Syndrome and no experimental evidence demonstrating its impact on protein function have been reported. No clinical diagnostic laboratories have submitted clinical-significance assessments for this variant to ClinVar after 2014. Based on the evidence outlined above, the variant was classified as likely pathogenic.

NM_000377.2(WAS):c.509_510del

Gene: WAS (WASP actin nucleation promoting factor; plus strand). Cytogenetic location: Xp11.23.
Variant type: Microsatellite.
Coding change: c.509_510del on transcript NM_000377.2; coding-DNA positions 509 to 510, 2 bases deleted (GA; older notation c.509_510delGA).
Genome position (GRCh38, 1-based): chrX:48,686,084-48,686,085, GA deleted; deleting any 2 consecutive bases within chrX:48,686,079-48,686,085 gives the same sequence; the c. name uses the placement nearest the transcript's 3' end. VCF-style (leftmost placement, unchanged base first): chrX-48686078-CAG-C. GRCh37 (hg19) VCF-style: chrX-48544467-CAG-C.
Identifiers: ClinVar variation 929151 (VCV000929151.3), dbSNP rs2062418811, ClinGen allele CA2428354838.
Genomic context (GRCh38, chrX:48,686,078, plus strand): 5'-AGGGGCTAGCCCAGGAACCTGTGGCAGGGCTGTGATAACTCTCTACACATTCCATCTTCC[CAG>C]AGAGAAGAGGAGGGCTCCCACCCCTGCCCCTGCATCCAGGTGGAGACCAAGGAGGTGCGT-3'